The following is an entry in ClinVar:

ClinVar aggregate classification (germline): Uncertain significance (1 of 4 stars; one submission).

Allele frequency attached by ClinVar (database versions not stated): TOPMed below 0.00001; ExAC 0.00001; gnomAD 0.00001; gnomAD exomes 0.00001; 1000 Genomes Project 30x 0.00016; 1000 Genomes Project 0.00020.
gnomAD v4.1: 10 of 1,606,452 alleles (0.00062%); highest among the groups gnomAD compares: South Asian, 0.0056%; no homozygotes.

Submission:

Labcorp Genetics (formerly Invitae), Labcorp
Classification: Uncertain significance. Last evaluated: 2023-08-27. Review status: criteria provided, single submitter. Criteria: Invitae Variant Classification Sherloc (09022015). Collection method: clinical testing. Allele origin: germline.
Comment: This sequence change affects codon 343 of the YME1L1 mRNA. It is a 'silent' change, meaning that it does not change the encoded amino acid sequence of the YME1L1 protein. This variant also falls at the last nucleotide of exon 9, which is part of the consensus splice site for this exon. This variant is present in population databases (rs569513493, gnomAD 0.003%). This variant has not been reported in the literature in individuals affected with YME1L1-related conditions. Variants that disrupt the consensus splice site are a relatively common cause of aberrant splicing (PMID: 17576681, 9536098). Algorithms developed to predict the effect of sequence changes on RNA splicing suggest that this variant is not likely to affect RNA splicing. In summary, the available evidence is currently insufficient to determine the role of this variant in disease. Therefore, it has been classified as a Variant of Uncertain Significance.

Literature cited by the submitters: PubMed 17576681; PubMed 9536098.

NM_014263.4(YME1L1):c.858G>A (p.Gly286=)

Gene: YME1L1 (YME1 like 1 ATPase; minus strand). Cytogenetic location: 10p12.1.
Variant type: single nucleotide variant.
Coding change: c.858G>A on transcript NM_014263.4 (MANE Select); coding-DNA position 858, G replaced by A.
Protein change: p.Gly286=; no amino-acid change (glycine 286 retained).
Molecular consequence: synonymous variant.
Genome position (GRCh38, 1-based): chr10:27,131,859, C>T on the plus strand (G>A on the coding strand, the complement: YME1L1 is on the minus strand). VCF-style: chr10-27131859-C-T. GRCh37 (hg19) VCF-style: chr10-27420788-C-T.
Other names: c.759G>A, p.Gly253= (NM_001253866.2); c.1029G>A, p.Gly343= (NM_139312.3).
Identifiers: ClinVar variation 2775830 (VCV002775830.3), dbSNP rs569513493, ClinGen allele CA5449478.